The following is an entry in ClinVar:

ClinVar aggregate classification (germline): Uncertain significance. Review status: criteria provided, multiple submitters, no conflicts (2 of 4 stars). 4 submissions from 4 submitters: Uncertain significance (4). Last evaluated 2024-06-11.

Conditions:
Hereditary cancer-predisposing syndrome. Also called: Neoplastic Syndromes, Hereditary; Hereditary Cancer Syndrome; Tumor predisposition; Hereditary neoplastic syndrome. Identifiers: Orphanet 140162, MedGen C0027672, MeSH D009386, MONDO:0015356.
Nijmegen breakage syndrome-like disorder (NBSLD). Also called: MICROCEPHALY AND SPONTANEOUS CHROMOSOME INSTABILITY WITHOUT IMMUNODEFICIENCY; NBS-LIKE DISORDER; RAD50 DEFICIENCY. Identifiers: Orphanet 240760, MedGen C2751318, MONDO:0013118, OMIM 613078.

Submissions (4):

Labcorp Genetics (formerly Invitae), Labcorp
Classification: Uncertain significance for Hereditary cancer-predisposing syndrome. Last evaluated: 2024-06-11. Review status: criteria provided, single submitter. Criteria: Invitae Variant Classification Sherloc (09022015). Collection method: clinical testing. Allele origin: germline.
Comment: This sequence change creates a premature translational stop signal (p.Glu1281Thrfs*14) in the RAD50 gene. While this is not anticipated to result in nonsense mediated decay, it is expected to disrupt the last 32 amino acid(s) of the RAD50 protein. This variant is present in population databases (no rsID available, gnomAD 0.009%). This variant has not been reported in the literature in individuals affected with RAD50-related conditions. ClinVar contains an entry for this variant (Variation ID: 574663). In summary, the available evidence is currently insufficient to determine the role of this variant in disease. Therefore, it has been classified as a Variant of Uncertain Significance.

Fulgent Genetics
Classification: Uncertain significance for Nijmegen breakage syndrome-like disorder. Last evaluated: 2024-04-16. Review status: criteria provided, single submitter. Criteria: ACMG Guidelines, 2015. Collection method: clinical testing. Allele origin: germline.

Ambry Genetics
Classification: Uncertain significance for Hereditary cancer-predisposing syndrome. Last evaluated: 2024-03-06. Review status: criteria provided, single submitter. Criteria: Ambry Variant Classification Scheme 2023. Collection method: clinical testing. Allele origin: germline.
Comment: The c.3841_3859del19 variant, located in coding exon 25 of the RAD50 gene, results from a deletion of 19 nucleotides at nucleotide positions 3841 to 3859, causing a translational frameshift with a predicted alternate stop codon (p.E1281Tfs*14). Premature stop codons are typically deleterious in nature; however, this stop codon occurs at the 3' terminus of RAD50, is not expected to trigger nonsense-mediated mRNA decay, and only impacts the last 32 amino acids of the protein. The exact functional impact of these removed amino acids is unknown at this time. Based on the available evidence, the clinical significance of this alteration remains unclear.

Women's Health and Genetics/Laboratory Corporation of America, LabCorp
Classification: Uncertain significance. Last evaluated: 2023-05-08. Review status: criteria provided, single submitter. Criteria: LabCorp Variant Classification Summary - May 2015. Collection method: clinical testing. Allele origin: germline.
Comment: Variant summary: RAD50 c.3841_3859del19 (p.Glu1281ThrfsX14) results in a premature termination codon, predicted to cause a truncation of the encoded protein, which is a commonly known mechanism for disease. While this variant is not expected to result in nonsense mediated decay, it is predicted to disrupt the last 32 amino acids of the protein. Variants downstream of this position have been not been classified as pathogenic by our laboratory or in ClinVar. The variant allele was found at a frequency of 1.2e-05 (i.e., 3 heterozygous carriers) in 251288 control chromosomes (gnomAD). The available data on variant occurrences in the general population are insufficient to allow any conclusion about variant significance. To our knowledge, no occurrence of c.3841_3859del19 in individuals affected with Hereditary Breast And Ovarian Cancer Syndrome and no experimental evidence demonstrating its impact on protein function have been reported. Two clinical diagnostic laboratories have submitted clinical-significance assessments for this variant to ClinVar after 2014, and both laboratories classified the variant as uncertain significance. Based on the evidence outlined above, the variant was classified as uncertain significance.

NM_005732.4(RAD50):c.3841_3859del (p.Glu1281fs)

Genes: RAD50 (RAD50 double strand break repair protein; plus strand), TH2LCRR (T helper type 2 locus control region associated RNA; minus strand). Cytogenetic location: 5q31.1.
Variant type: Deletion.
Coding change: c.3841_3859del on transcript NM_005732.4 (MANE Select); coding-DNA positions 3841 to 3859, 19 bases deleted (GAATATGTGGAGAAATTCT).
Protein change: p.Glu1281fs; shifts the reading frame from glutamic acid 1281.
Molecular consequence: frameshift variant.
Genome position (GRCh38, 1-based): chr5:132,642,266-132,642,284, GAATATGTGGAGAAATTCT deleted; deleting any 19 consecutive bases within chr5:132,642,262-132,642,284 gives the same sequence; the c. name uses the placement nearest the transcript's 3' end. VCF-style (leftmost placement, unchanged base first): chr5-132642261-GTTCTGAATATGTGGAGAAA-G. GRCh37 (hg19) VCF-style: chr5-131977953-GTTCTGAATATGTGGAGAAA-G.
Other names: c.3841_3859del19 (NM_005732.3); short protein forms E1281fs.
Identifiers: ClinVar variation 574663 (VCV000574663.12), dbSNP rs1561661862, ClinGen allele CA562770464.